The following is an entry in ClinVar:

ClinVar aggregate classification (germline): Uncertain significance (1 of 4 stars; one submission).

Conditions:
MKS1-related disorder. Also called: MKS1-related disorders; MKS1-related condition. Identifiers: MedGen CN239382.

gnomAD v4.1: 7 of 1,547,684 alleles (0.00045%); highest among the groups gnomAD compares: South Asian, 0.0036%; no homozygotes.

Submission:

PreventionGenetics, part of Exact Sciences
Classification: Uncertain significance for MKS1-related condition. Last evaluated: 2026-08-19. Review status: criteria provided, single submitter. Criteria: ACMG Guidelines, 2015. Collection method: clinical testing. Allele origin: germline.
Comment: The MKS1 c.1676T>C variant is predicted to result in the amino acid substitution p.Leu559Pro. To our knowledge, this variant has not been reported in the literature or in a large population database (gnomAD), indicating this variant is rare. At this time, the clinical significance of this variant is uncertain due to the absence of conclusive functional and genetic evidence.

NM_017777.4(MKS1):c.*79T>C

Gene: MKS1 (MKS transition zone complex subunit 1; minus strand). Cytogenetic location: 17q22.
Variant type: single nucleotide variant.
Coding change: c.*79T>C on transcript NM_017777.4 (MANE Select); 79 bases downstream of the stop codon, T replaced by C.
Molecular consequence: 3 prime UTR variant. On other transcripts: missense variant (1).
Genome position (GRCh38, 1-based): chr17:58,206,000, A>G on the plus strand (T>C on the coding strand, the complement: MKS1 is on the minus strand). VCF-style: chr17-58206000-A-G. GRCh37 (hg19) VCF-style: chr17-56283361-A-G.
Other names: c.*79T>C (NM_001321268.2); c.1676T>C, p.Leu559Pro (NM_001321269.2); c.*171T>C (NM_001330397.2); short protein forms L559P.
Identifiers: ClinVar variation 4986361 (VCV004986361.1).
Genomic context (GRCh38, chr17:58,206,000, plus strand): 5'-CAGCCGGGAATTTCCCAGCTTTTCTGGTTCTCAGCAGACCAACGTGGTCTCTAATCAGAA[A>G]GACGAAGAGGCAGGAGAGCACTGGCCTCAGATATCCCCCATCTTGTCCTCTTGCACTGTG-3'